The following is an entry in ClinVar:

Conditions:
Breast-ovarian cancer, familial, susceptibility to, 1 (BROVCA1). Also called: BRCA1 Hereditary Breast and Ovarian Cancer; OVARIAN CANCER, SUSCEPTIBILITY TO. Identifiers: Orphanet 145, MedGen C2676676, MONDO:0011450, OMIM 604370. Disease mechanism: loss of function.

Submission:

Brotman Baty Institute, University of Washington
No classification provided (evidence only). Condition: Breast-ovarian cancer, familial 1. Review status: no classification provided. Collection method: in vitro. Allele origin: not applicable. Functional consequence: functionally_normal.
ClinVar note: "not provided" was previously submitted as the classification for the variant. However, the classification appeared to be based only on an observation of functional data so it was converted to no classification on 2025-07-30.

NM_007294.4(BRCA1):c.5406+17C>A

Gene: BRCA1 (BRCA1 DNA repair associated; minus strand). Cytogenetic location: 17q21.31.
Variant type: single nucleotide variant.
Coding change: c.5406+17C>A on transcript NM_007294.4 (MANE Select); 17 bases into the intron after coding-DNA position 5406, C replaced by A.
Molecular consequence: intron variant.
Genome position (GRCh38, 1-based): chr17:43,049,104, G>T on the plus strand (C>A on the coding strand, the complement: BRCA1 is on the minus strand). VCF-style: chr17-43049104-G-T. GRCh37 (hg19) VCF-style: chr17-41201121-G-T.
Other names: c.1956+17C>A (NM_001408454.1, NM_001408456.1, NM_001408453.1 and 3 more transcripts); c.5259+17C>A (NM_001407852.1, NM_001407853.1, NM_001407843.1 and 12 more transcripts); c.5262+17C>A (NM_001407750.1, NM_001407732.1, NM_001407733.1 and 18 more transcripts); c.5265+17C>A (NM_001407698.1, NM_001407694.1, NM_001407696.1 and 12 more transcripts); c.2016+17C>A (NM_001408413.1, NM_001408416.1, NM_001408414.1 and 2 more transcripts); c.5322+17C>A (NM_001407660.1, NM_001407661.1, NM_001407663.1 and 2 more transcripts); c.1893+17C>A (NM_001408476.1, NM_001408475.1); c.1896+17C>A (NM_001408474.1); and 84 more.
Identifiers: ClinVar variation 865446 (VCV000865446.3), dbSNP rs1057522773, ClinGen allele CA916080815.
Genomic context (GRCh38, chr17:43,049,104, plus strand): 5'-GGGACTGACAGGTGCCAGTCTTGCTCACAGGAGAGAATATTGTGTCCTCCCTCTCTGACA[G>T]GGCACCCAATACTTACTGTGCCAAGGGTGAATGATGAAAGCTCCTTCACCACAGAAGCAC-3'